The following is an entry in ClinVar:

NC_000009.12:g.35658041G>C

Gene: RMRP (RNA component of mitochondrial RNA processing endoribonuclease; minus strand). Cytogenetic location: 9p13.3.
Variant type: single nucleotide variant.
Genome position: GRCh38 VCF-style: chr9-35658041-G-C. GRCh37 (hg19) VCF-style: chr9-35658038-G-C.
Identifiers: ClinVar variation 379905 (VCV000379905.12), dbSNP rs188660894, ClinGen allele CA5045893.
Genomic context (GRCh38, chr9:35,658,041, plus strand): 5'-CAGTGTGTAGCCTAGGATACAGGCCTTCAGCACGAACCACGTCCTCAGCTTCACAGAGTA[G>C]TATTTTATAGCCCTAAAGAAATTGTGTTTTATGATTAGGGTGAGAAAGTTGGTGGCGTGA-3'

ClinVar aggregate classification (germline): Benign/Likely benign. Review status: criteria provided, multiple submitters, no conflicts (2 of 4 stars). 3 submissions from 3 submitters: Benign (2); Likely benign (1). Last evaluated 2026-02-01.

Conditions:
Anauxetic dysplasia. Identifiers: Orphanet 93347, MedGen C1846796, MONDO:0011773.

Allele frequency attached by ClinVar (database versions not stated): TOPMed 0.00521; ExAC 0.00093; 1000 Genomes Project 0.00579; 1000 Genomes Project 30x 0.00656.

Submissions (3):

Labcorp Genetics (formerly Invitae), Labcorp
Classification: Likely benign for Anauxetic dysplasia. Last evaluated: 2026-02-01. Review status: criteria provided, single submitter. Criteria: Invitae Variant Classification Sherloc (09022015). Collection method: clinical testing. Allele origin: germline.

ARUP Laboratories, Molecular Genetics and Genomics, ARUP Laboratories
Classification: Benign. Last evaluated: 2024-10-10. Review status: criteria provided, single submitter. Criteria: ARUP Molecular Germline Variant Investigation Process 2024. Collection method: clinical testing. Allele origin: germline.

GeneDx
Classification: Benign. Last evaluated: 2016-07-11. Review status: criteria provided, single submitter. Criteria: GeneDx Variant Classification (06012015). Collection method: clinical testing. Allele origin: germline. Affected: yes.
Comment: This variant is considered likely benign or benign based on one or more of the following criteria: it is a conservative change, it occurs at a poorly conserved position in the protein, it is predicted to be benign by multiple in silico algorithms, and/or has population frequency not consistent with disease.